The following is an entry in ClinVar:

NM_145071.4(CISH):c.233G>A (p.Arg78Gln)

Gene: CISH (cytokine inducible SH2 containing protein; minus strand). Cytogenetic location: 3p21.2.
Variant type: single nucleotide variant.
Coding change: c.233G>A on transcript NM_145071.4 (MANE Select); coding-DNA position 233, G replaced by A.
Protein change: p.Arg78Gln; replaces arginine 78 with glutamine.
Molecular consequence: missense variant.
Genome position (GRCh38, 1-based): chr3:50,608,381, C>T on the plus strand (G>A on the coding strand, the complement: CISH is on the minus strand). VCF-style: chr3-50608381-C-T. GRCh37 (hg19) VCF-style: chr3-50645812-C-T.
Other names: c.284G>A, p.Arg95Gln (NM_013324.7); short protein forms R78Q, R95Q.
Identifiers: ClinVar variation 723118 (VCV000723118.6), dbSNP rs148162012, ClinGen allele CA2420054.

ClinVar aggregate classification (germline): Likely benign. Review status: criteria provided, multiple submitters, no conflicts (2 of 4 stars). 3 submissions from 3 submitters: Likely benign (2). 1 of the submissions does not count toward it. Last evaluated 2018-03-01.

Conditions:
CISH-related disorder. Also called: CISH-related condition.

Allele frequency attached by ClinVar (database versions not stated): ESP Exome Variant Server 0.00023; gnomAD 0.00040 and 0.00062; TOPMed 0.00061; ExAC 0.00075; gnomAD exomes 0.00080; 1000 Genomes Project 30x 0.00250; 1000 Genomes Project 0.00280.

Submissions (3):

Labcorp Genetics (formerly Invitae), Labcorp
Classification: Likely benign. Last evaluated: 2018-03-01. Review status: criteria provided, single submitter. Criteria: Invitae Variant Classification Sherloc (09022015). Collection method: clinical testing. Allele origin: germline.

Breakthrough Genomics
Classification: Likely benign. Review status: criteria provided, single submitter. Criteria: ACMG Guidelines, 2015. Collection method: not provided. Allele origin: germline. Inheritance: Unknown mechanism. Affected: yes.

PreventionGenetics, part of Exact Sciences
Classification: Likely benign for CISH-related condition. Last evaluated: 2019-09-30. Review status: no assertion criteria provided. Collection method: clinical testing. Allele origin: germline. Not counted in ClinVar's aggregate classification.
Comment: This variant is classified as likely benign based on ACMG/AMP sequence variant interpretation guidelines (Richards et al. 2015 PMID: 25741868, with internal and published modifications).